The following is an entry in ClinVar:

NM_001982.4(ERBB3):c.1106A>G (p.Asn369Ser)

Gene: ERBB3 (erb-b2 receptor tyrosine kinase 3; plus strand). Cytogenetic location: 12q13.2.
Variant type: single nucleotide variant.
Coding change: c.1106A>G on transcript NM_001982.4 (MANE Select); coding-DNA position 1106, A replaced by G.
Protein change: p.Asn369Ser; replaces asparagine 369 with serine.
Molecular consequence: missense variant.
Genome position (GRCh38, 1-based): chr12:56,088,865, A>G. VCF-style: chr12-56088865-A-G. GRCh37 (hg19) VCF-style: chr12-56482649-A-G.
Other names: short protein forms N369S.
Identifiers: ClinVar variation 4072465 (VCV004072465.2).
Genomic context (GRCh38, chr12:56,088,865, plus strand): 5'-ATGGATTTGTGAACTGCACCAAGATCCTGGGCAACCTGGACTTTCTGATCACCGGCCTCA[A>G]TGGGTTAGAGATCCTGCCTTCCCTCCTTAGACCCCAGCCCACGCACCCCTCACAGTTCAT-3'
Protein context (NP_001973.2, residues 359-379): GNLDFLITGL[Asn369Ser]GDPWHKIPAL

ClinVar aggregate classification (germline): Uncertain significance (1 of 4 stars; one submission).

gnomAD v4.1: 467 of 1,614,034 alleles (0.029%); highest among the groups gnomAD compares: Non-Finnish European, 0.036%; no homozygotes.

Submission:

GeneDx
Classification: Uncertain significance. Last evaluated: 2026-01-31. Review status: criteria provided, single submitter. Criteria: GeneDx Variant Classification Process June 2021. Collection method: clinical testing. Allele origin: germline.
Comment: In silico analysis supports a deleterious effect on splicing; Has not been previously published as pathogenic or benign to our knowledge; In silico analysis suggests that this missense variant does not alter protein structure/function; This variant is associated with the following publications: (PMID: 23741632)